The following is an entry in ClinVar:

NC_000003.11:g.10094065-?_10191654+?del

Genes: FANCD2 (FA complementation group D2; plus strand), VHL (von Hippel-Lindau tumor suppressor; plus strand). Cytogenetic location: 3p25.3.
Variant type: Deletion.
Identifiers: ClinVar variation 1068736 (VCV001068736.1).

ClinVar aggregate classification (germline): Pathogenic (1 of 4 stars; one submission).

Conditions:
Chuvash polycythemia. Also called: POLYCYTHEMIA, VHL-DEPENDENT. Identifiers: Orphanet 238557, MedGen C1837915, MONDO:0009892, OMIM 263400.
Von Hippel-Lindau syndrome (VHLS). Also called: Von Hippel-Lindau; von Hippel–Lindau syndrome; VHL syndrome. Identifiers: Orphanet 892, MedGen C0019562, MONDO:0008667, OMIM 193300. Disease mechanism: loss of function.

Submission:

Labcorp Genetics (formerly Invitae), Labcorp
Classification: Pathogenic for Von Hippel-Lindau syndrome; Chuvash polycythemia. Last evaluated: 2016-01-22. Review status: criteria provided, single submitter. Criteria: Invitae Variant Classification Sherloc (09022015). Collection method: clinical testing. Allele origin: germline.
Comment: A gross deletion of the genomic region encompassing the full coding sequence of the VHL gene has been identified. The boundaries of this event are unknown as the deletion extends beyond the assayed region for this gene and therefore may encompass additional genes. Partial and entire coding sequence deletions in the VHL gene have been reported in multiple individuals and families with von Hippel-Lindau disease (PMID: 19764026, 10830910, 19280651, 10567493, 8634692, 17537157, 20567917). For these reasons, this variant has been classified as Pathogenic. 1

Literature cited by the submitters: PubMed 19764026; PubMed 10830910; PubMed 19280651; PubMed 10567493; PubMed 8634692; PubMed 17537157; PubMed 20567917.